The following is an entry in ClinVar:

NM_004168.4(SDHA):c.1349A>G (p.Asn450Ser)

Gene: SDHA (succinate dehydrogenase complex flavoprotein subunit A; plus strand). Cytogenetic location: 5p15.33.
Variant type: single nucleotide variant.
Coding change: c.1349A>G on transcript NM_004168.4 (MANE Select); coding-DNA position 1349, A replaced by G.
Protein change: p.Asn450Ser; replaces asparagine 450 with serine.
Molecular consequence: missense variant.
Genome position (GRCh38, 1-based): chr5:236,516, A>G. VCF-style: chr5-236516-A-G. GRCh37 (hg19) VCF-style: chr5-236631-A-G.
Other names: p.Asn450Ser; c.1205A>G, p.Asn402Ser (NM_001294332.2); c.1349A>G, p.Asn450Ser (NM_001330758.2); short protein forms N402S, N450S.
Identifiers: ClinVar variation 662316 (VCV000662316.16), dbSNP rs1579409723, ClinGen allele CA359013979.

ClinVar aggregate classification (germline): Uncertain significance. Review status: criteria provided, multiple submitters, no conflicts (2 of 4 stars). 4 submissions from 4 submitters: Uncertain significance (4). Last evaluated 2025-10-01.

Conditions:
Pheochromocytoma/paraganglioma syndrome 5. Also called: Paragangliomas 5; SDHA-Related Hereditary Paraganglioma-Pheochromocytoma Syndrome. Identifiers: Orphanet 29072, MedGen C3279992, MONDO:0013602, OMIM 614165.
Mitochondrial complex II deficiency, nuclear type 1. Also called: SUCCINATE CoQ REDUCTASE DEFICIENCY. Identifiers: Orphanet 3208, MedGen C5700310, MONDO:0100294, OMIM 252011.
Dilated cardiomyopathy 1GG (CMD1GG). Identifiers: Orphanet 154, MedGen C3150898, MONDO:0013339, OMIM 613642.
Hereditary cancer-predisposing syndrome. Also called: Tumor predisposition; Neoplastic Syndromes, Hereditary; Hereditary Cancer Syndrome; Hereditary neoplastic syndrome. Identifiers: Orphanet 140162, MedGen C0027672, MeSH D009386, MONDO:0015356.

Allele frequency attached by ClinVar (database versions not stated): gnomAD exomes below 0.00001.
gnomAD v4.1: 1 of 1,614,016 alleles (0.000062%); highest among the groups gnomAD compares: Non-Finnish European, 0.000085%; no homozygotes.

Submissions (4):

Labcorp Genetics (formerly Invitae), Labcorp
Classification: Uncertain significance for Pheochromocytoma/paraganglioma syndrome 5; Mitochondrial complex II deficiency, nuclear type 1. Last evaluated: 2025-10-01. Review status: criteria provided, single submitter. Criteria: Invitae Variant Classification Sherloc (09022015). Collection method: clinical testing. Allele origin: germline.
Comment: This sequence change replaces asparagine, which is neutral and polar, with serine, which is neutral and polar, at codon 450 of the SDHA protein (p.Asn450Ser). This variant is not present in population databases (gnomAD no frequency). This variant has not been reported in the literature in individuals affected with SDHA-related conditions. ClinVar contains an entry for this variant (Variation ID: 662316). Invitae Evidence Modeling of protein sequence and biophysical properties (such as structural, functional, and spatial information, amino acid conservation, physicochemical variation, residue mobility, and thermodynamic stability) has been performed for this missense variant. However, the output from this modeling did not meet the statistical confidence thresholds required to predict the impact of this variant on SDHA protein function. In summary, the available evidence is currently insufficient to determine the role of this variant in disease. Therefore, it has been classified as a Variant of Uncertain Significance.

Mayo Clinic Laboratories, Mayo Clinic
Classification: Uncertain significance. Last evaluated: 2024-06-06. Review status: criteria provided, single submitter. Criteria: ACMG Guidelines, 2015. Collection method: clinical testing. Allele origin: germline. Observed: 1 variant allele.

Ambry Genetics
Classification: Uncertain significance for Hereditary cancer-predisposing syndrome. Last evaluated: 2024-05-05. Review status: criteria provided, single submitter. Criteria: Ambry Variant Classification Scheme 2023. Collection method: clinical testing. Allele origin: germline.
Comment: The p.N450S variant (also known as c.1349A>G), located in coding exon 10 of the SDHA gene, results from an A to G substitution at nucleotide position 1349. The asparagine at codon 450 is replaced by serine, an amino acid with highly similar properties. This amino acid position is highly conserved in available vertebrate species. In addition, the in silico prediction for this alteration is inconclusive. Since supporting evidence is limited at this time, the clinical significance of this alteration remains unclear.

Baylor Genetics
Classification: Uncertain significance for Dilated cardiomyopathy 1GG. Last evaluated: 2023-07-23. Review status: criteria provided, single submitter. Criteria: ACMG Guidelines, 2015. Collection method: clinical testing. Allele origin: unknown.